The following is an entry in ClinVar:

ClinVar aggregate classification (germline): Likely benign (1 of 4 stars; one submission).

Submission:

CeGaT Center for Human Genetics Tuebingen
Classification: Likely benign. Last evaluated: 2024-09-01. Review status: criteria provided, single submitter. Criteria: CeGaT Center For Human Genetics Tuebingen Variant Classification Criteria Version 2. Collection method: clinical testing. Allele origin: germline. Affected: yes. Observed: 1 variant allele.
Comment: DST: PM2:Supporting, BP4, BP7

NM_001374736.1(DST):c.5511A>G (p.Glu1837=)

Gene: DST (dystonin; minus strand). Cytogenetic location: 6p12.1.
Variant type: single nucleotide variant.
Coding change: c.5511A>G on transcript NM_001374736.1 (MANE Select); coding-DNA position 5511, A replaced by G.
Protein change: p.Glu1837=; no amino-acid change (glutamic acid 1837 retained).
Molecular consequence: synonymous variant. On other transcripts: intron variant (6).
Genome position (GRCh38, 1-based): chr6:56,609,117, T>C on the plus strand (A>G on the coding strand, the complement: DST is on the minus strand). VCF-style: chr6-56609117-T-C. GRCh37 (hg19) VCF-style: chr6-56473915-T-C.
Other names: c.5511A>G, p.Glu1837= (NM_001374722.1); c.4878A>G, p.Glu1626= (NM_001374729.1); c.5538A>G, p.Glu1846= (NM_001374734.1); c.5184+1310A>G (NM_001144769.5); c.4770+1310A>G (NM_001144770.2); c.4650+1310A>G (NM_001374730.1, NM_001386100.1, NM_183380.4); c.3672+1310A>G (NM_015548.5).
Identifiers: ClinVar variation 3389569 (VCV003389569.14).